The following is an entry in ClinVar:

NM_001105206.3(LAMA4):c.2173+251C>G

Gene: LAMA4 (laminin subunit alpha 4; minus strand). Cytogenetic location: 6q21.
Variant type: single nucleotide variant.
Coding change: c.2173+251C>G on transcript NM_001105206.3 (MANE Select); 251 bases into the intron after coding-DNA position 2173, C replaced by G.
Molecular consequence: intron variant.
Genome position (GRCh38, 1-based): chr6:112,150,260, G>C on the plus strand (C>G on the coding strand, the complement: LAMA4 is on the minus strand). VCF-style: chr6-112150260-G-C. GRCh37 (hg19) VCF-style: chr6-112471462-G-C.
Other names: NC_000006.11:g.112471462G>C; c.2152+251C>G (NM_002290.5, NM_001105207.3).
Identifiers: ClinVar variation 683589 (VCV000683589.2), dbSNP rs79611412, ClinGen allele CA12431600.
Genomic context (GRCh38, chr6:112,150,260, plus strand): 5'-AAGACACACACACACACACACACACACACACACACAGACACACACAGACACACACACACA[G>C]AGGCAATGCTGGAAAAAAAGGCTCTCAAATCTAAAGGTCACCTCTACGTGGTGTGATTAC-3'

ClinVar aggregate classification (germline): Benign (1 of 4 stars; one submission).

Allele frequency attached by ClinVar (database versions not stated): 1000 Genomes Project 0.04014; gnomAD 0.07869; TOPMed 0.08024.

Submissions (2):

GeneDx
Classification: Benign. Last evaluated: 2018-06-14. Review status: criteria provided, single submitter. Criteria: GeneDx Variant Classification (06012015). Collection method: clinical testing. Allele origin: germline. Affected: yes.
Comment: This variant is considered likely benign or benign based on one or more of the following criteria: it is a conservative change, it occurs at a poorly conserved position in the protein, it is predicted to be benign by multiple in silico algorithms, and/or has population frequency not consistent with disease.

Dr. Peter K. Rogan Lab, Western University
No classification provided (evidence only). Condition: Cervical cancer. Review status: no classification provided. Collection method: in vitro. Allele origin: not applicable. Functional consequence: retained intron. Not counted in ClinVar's aggregate classification.